The following is an entry in ClinVar:

NM_001365276.2(TNXB):c.6463C>T (p.Pro2155Ser)

Gene: TNXB (tenascin XB; minus strand). Cytogenetic location: 6p21.33.
Variant type: single nucleotide variant.
Coding change: c.6463C>T on transcript NM_001365276.2 (MANE Select); coding-DNA position 6463, C replaced by T.
Protein change: p.Pro2155Ser; replaces proline 2155 with serine.
Molecular consequence: missense variant.
Genome position (GRCh38, 1-based): chr6:32,067,742, G>A on the plus strand (C>T on the coding strand, the complement: TNXB is on the minus strand). VCF-style: chr6-32067742-G-A. GRCh37 (hg19) VCF-style: chr6-32035519-G-A.
Other names: c.7204C>T, p.Pro2402Ser (NM_001428335.1); c.6463C>T, p.Pro2155Ser (NM_019105.8); short protein forms P2402S, P2155S.
Identifiers: ClinVar variation 4615125 (VCV004615125.1).
Genomic context (GRCh38, chr6:32,067,742, plus strand): 5'-CTGGGCCCACGCGCCGCCCCTCGTGGAGGCCGTACAGGTGCATCTTGTACTTGCGCCCAG[G>A]CTCCAGGCCCCCCACGGTGACTTCACTCTCCTCGCCCCCAACACGCACCACCTGGGGCCG-3'
Protein context (NP_001352205.1, residues 2145-2165): ESEVTVGGLE[Pro2155Ser]GRKYKMHLYG

ClinVar aggregate classification (germline): Uncertain significance (1 of 4 stars; one submission).

Conditions:
Cardiovascular phenotype. Identifiers: MedGen CN230736.

gnomAD v4.1: 3 of 1,613,728 alleles (0.00019%); highest among the groups gnomAD compares: African/African-American, 0.004%; no homozygotes.

Submission:

Ambry Genetics
Classification: Uncertain significance for Cardiovascular phenotype. Last evaluated: 2025-10-23. Review status: criteria provided, single submitter. Criteria: Ambry Variant Classification Scheme 2023. Collection method: clinical testing. Allele origin: germline.
Comment: The p.P2155S variant (also known as c.6463C>T), located in coding exon 17 of the TNXB gene, results from a C to T substitution at nucleotide position 6463. The proline at codon 2155 is replaced by serine, an amino acid with similar properties. This amino acid position is conserved. In addition, this alteration is predicted to be tolerated by in silico analysis. Based on the available evidence, the clinical significance of this variant remains unclear.